The following is an entry in ClinVar:

ClinVar aggregate classification (germline): Likely benign. Review status: criteria provided, multiple submitters, no conflicts (2 of 4 stars). 2 submissions from 2 submitters: Likely benign (2). Last evaluated 2025-05-09.

Conditions:
TTN-related disorder. Also called: TTN-related disorders; TTN-related condition; TTN-related disease.
Cardiovascular phenotype. Identifiers: MedGen CN230736.

Submissions (2):

PreventionGenetics, part of Exact Sciences
Classification: Likely benign for TTN-related condition. Last evaluated: 2025-05-09. Review status: criteria provided, single submitter. Criteria: ACMG Guidelines, 2015. Collection method: clinical testing. Allele origin: germline.
Comment: This variant is classified as likely benign based on ACMG/AMP sequence variant interpretation guidelines (Richards et al. 2015 PMID: 25741868, with internal and published modifications).

Ambry Genetics
Classification: Likely benign for Cardiovascular phenotype. Last evaluated: 2021-06-03. Review status: criteria provided, single submitter. Criteria: Ambry Variant Classification Scheme 2023. Collection method: clinical testing. Allele origin: germline.

NM_001267550.2(TTN):c.58149G>A (p.Leu19383=)

Genes: TTN-AS1 (TTN antisense RNA 1; plus strand), TTN (titin; minus strand). Cytogenetic location: 2q31.2.
Variant type: single nucleotide variant.
Coding change: c.58149G>A on transcript NM_001267550.2 (MANE Select); coding-DNA position 58149, G replaced by A.
Protein change: p.Leu19383=; no amino-acid change (leucine 19383 retained).
Molecular consequence: synonymous variant.
Genome position (GRCh38, 1-based): chr2:178,594,345, C>T on the plus strand (G>A on the coding strand, the complement: TTN is on the minus strand). VCF-style: chr2-178594345-C-T. GRCh37 (hg19) VCF-style: chr2-179459072-C-T.
Other names: c.30954G>A, p.Leu10318= (NM_003319.4); c.50445G>A, p.Leu16815= (NM_133378.4); c.31329G>A, p.Leu10443= (NM_133432.3); c.31530G>A, p.Leu10510= (NM_133437.4); c.53226G>A, p.Leu17742= (NM_001256850.1).
Identifiers: ClinVar variation 1727499 (VCV001727499.3), dbSNP rs752861529, ClinGen allele CA430268109.